The following is an entry in ClinVar:

ClinVar aggregate classification (germline): Pathogenic (1 of 4 stars; one submission).

Conditions:
Epilepsy, familial adult myoclonic, 5 (EPEO5). Also called: CORTICAL MYOCLONIC TREMOR WITH EPILEPSY, FAMILIAL, 5. Identifiers: Orphanet 86814, MedGen C3809374, MONDO:0014167, OMIM 615400.

Submission:

Labcorp Genetics (formerly Invitae), Labcorp
Classification: Pathogenic for Epilepsy, familial adult myoclonic, 5. Last evaluated: 2021-08-07. Review status: criteria provided, single submitter. Criteria: Invitae Variant Classification Sherloc (09022015). Collection method: clinical testing. Allele origin: germline.
Comment: For these reasons, this variant has been classified as Pathogenic. This variant has not been reported in the literature in individuals affected with CNTN2-related conditions. This variant is not present in population databases (ExAC no frequency). This sequence change creates a premature translational stop signal (p.Gln394*) in the CNTN2 gene. It is expected to result in an absent or disrupted protein product. Loss-of-function variants in CNTN2 are known to be pathogenic (PMID: 11178983, 23518707).

Literature cited by the submitters: PubMed 11178983; PubMed 23518707.

NM_005076.5(CNTN2):c.1180C>T (p.Gln394Ter)

Gene: CNTN2 (contactin 2; plus strand). Cytogenetic location: 1q32.1.
Variant type: single nucleotide variant.
Coding change: c.1180C>T on transcript NM_005076.5 (MANE Select); coding-DNA position 1180, C replaced by T.
Protein change: p.Gln394Ter; replaces glutamine 394 with a stop codon.
Molecular consequence: nonsense. On other transcripts: non-coding transcript variant (1).
Genome position (GRCh38, 1-based): chr1:205,062,509, C>T. VCF-style: chr1-205062509-C-T. GRCh37 (hg19) VCF-style: chr1-205031637-C-T.
Other names: c.1180C>T, p.Gln394Ter (NM_001346083.2); short protein forms Q394*.
Identifiers: ClinVar variation 1406570 (VCV001406570.6), dbSNP rs2151192841, ClinGen allele CA344374525.